The following is an entry in ClinVar:

NM_170784.3(MKKS):c.874C>T (p.Leu292=)

Gene: MKKS (MKKS centrosomal shuttling protein; minus strand). Cytogenetic location: 20p12.2.
Variant type: single nucleotide variant.
Coding change: c.874C>T on transcript NM_170784.3 (MANE Select); coding-DNA position 874, C replaced by T.
Protein change: p.Leu292=; no amino-acid change (leucine 292 retained).
Molecular consequence: synonymous variant.
Genome position (GRCh38, 1-based): chr20:10,412,641, G>A on the plus strand (C>T on the coding strand, the complement: MKKS is on the minus strand). VCF-style: chr20-10412641-G-A. GRCh37 (hg19) VCF-style: chr20-10393289-G-A.
Other names: c.874C>T, p.Leu292= (NM_018848.3).
Identifiers: ClinVar variation 337691 (VCV000337691.15), dbSNP rs758645426, ClinGen allele CA9763609.

ClinVar aggregate classification (germline): Conflicting classifications of pathogenicity. Review status: criteria provided, conflicting classifications (1 of 4 stars). 5 submissions from 4 submitters: Uncertain significance (2); Likely benign (2). 1 of the submissions does not count toward it. Last evaluated 2024-09-16.

Conditions:
Bardet-Biedl syndrome 6 (BBS6). Identifiers: Orphanet 110, MedGen C1858054, MONDO:0011523, OMIM 605231.
McKusick-Kaufman syndrome (MKKS). Also called: HYDROMETROCOLPOS SYNDROME; HYDROMETROCOLPOS, POSTAXIAL POLYDACTYLY, AND CONGENITAL HEART MALFORMATION. Identifiers: Orphanet 2473, MedGen C0948368, MONDO:0009367, OMIM 236700.
MKKS-related disorder. Also called: MKKS-related condition; MKKS-related disorders.
Bardet-Biedl syndrome (BBS). Identifiers: Orphanet 110, MedGen C0752166, MONDO:0015229.

Allele frequency attached by ClinVar (database versions not stated): gnomAD 0.00005; ExAC 0.00006; TOPMed 0.00006; gnomAD exomes 0.00008.
gnomAD v4.1: 71 of 1,613,996 alleles (0.0044%); highest among the groups gnomAD compares: Non-Finnish European, 0.0034%; no homozygotes.

Submissions (5):

Blueprint Genetics
Classification: Likely benign. Last evaluated: 2024-09-16. Review status: criteria provided, single submitter. Criteria: ACMG Guidelines, 2015. Collection method: clinical testing. Allele origin: germline.

Labcorp Genetics (formerly Invitae), Labcorp
Classification: Likely benign for McKusick-Kaufman syndrome; Bardet-Biedl syndrome. Last evaluated: 2024-03-05. Review status: criteria provided, single submitter. Criteria: Invitae Variant Classification Sherloc (09022015). Collection method: clinical testing. Allele origin: germline.

Illumina Laboratory Services, Illumina
Classification: Uncertain significance for McKusick-Kaufman syndrome. Last evaluated: 2018-01-13. Review status: criteria provided, single submitter. Criteria: ICSL Variant Classification Criteria 13 December 2019. Collection method: clinical testing. Allele origin: germline.

Illumina Laboratory Services, Illumina
Classification: Uncertain significance for Bardet-Biedl syndrome 6. Last evaluated: 2018-01-13. Review status: criteria provided, single submitter. Criteria: ICSL Variant Classification Criteria 13 December 2019. Collection method: clinical testing. Allele origin: germline.

PreventionGenetics, part of Exact Sciences
Classification: Likely benign for MKKS-related condition. Last evaluated: 2020-04-20. Review status: no assertion criteria provided. Collection method: clinical testing. Allele origin: germline. Not counted in ClinVar's aggregate classification.
Comment: This variant is classified as likely benign based on ACMG/AMP sequence variant interpretation guidelines (Richards et al. 2015 PMID: 25741868, with internal and published modifications).